The following is an entry in ClinVar:

ClinVar aggregate classification (germline): Uncertain significance. Review status: criteria provided, multiple submitters, no conflicts (2 of 4 stars). 2 submissions from 2 submitters: Uncertain significance (2). Last evaluated 2025-07-31.

Conditions:
Inborn genetic diseases. Identifiers: MedGen C0950123, MeSH D030342.

gnomAD v4.1: 3 of 1,612,806 alleles (0.00019%); highest among the groups gnomAD compares: Non-Finnish European, 0.00017%; no homozygotes.

Submissions (2):

Ambry Genetics
Classification: Uncertain significance for Inborn genetic diseases. Last evaluated: 2025-07-31. Review status: criteria provided, single submitter. Criteria: Ambry Variant Classification Scheme 2023. Collection method: clinical testing. Allele origin: germline.

GeneDx
Classification: Uncertain significance. Last evaluated: 2025-01-13. Review status: criteria provided, single submitter. Criteria: GeneDx Variant Classification Process June 2021. Collection method: clinical testing. Allele origin: germline. Affected: yes.
Comment: Not observed at significant frequency in large population cohorts (gnomAD); In silico analysis indicates that this missense variant does not alter protein structure/function; Has not been previously published as pathogenic or benign to our knowledge

NM_001163809.2(WDR81):c.4154C>A (p.Thr1385Lys)

Gene: WDR81 (WD repeat domain 81; plus strand). Cytogenetic location: 17p13.3.
Variant type: single nucleotide variant.
Coding change: c.4154C>A on transcript NM_001163809.2 (MANE Select); coding-DNA position 4154, C replaced by A.
Protein change: p.Thr1385Lys; replaces threonine 1385 with lysine.
Molecular consequence: missense variant.
Genome position (GRCh38, 1-based): chr17:1,731,255, C>A. VCF-style: chr17-1731255-C-A. GRCh37 (hg19) VCF-style: chr17-1634549-C-A.
Other names: c.545C>A, p.Thr182Lys (NM_001163673.2); c.473C>A, p.Thr158Lys (NM_001163811.2); c.1001C>A, p.Thr334Lys (NM_152348.4); short protein forms T1385K, T158K, T182K, T334K.
Identifiers: ClinVar variation 4057042 (VCV004057042.2).